The following is an entry in ClinVar:

ClinVar aggregate classification (germline): Uncertain significance. Review status: criteria provided, multiple submitters, no conflicts (2 of 4 stars). 5 submissions from 5 submitters: Uncertain significance (5). Last evaluated 2026-06-18.

Conditions:
Autosomal recessive limb-girdle muscular dystrophy type 2J (LGMDR10). Also called: Limb-girdle muscular dystrophy, type 2J; MUSCULAR DYSTROPHY, LIMB-GIRDLE, AUTOSOMAL RECESSIVE 10. Identifiers: Orphanet 140922, MedGen C1837342, MONDO:0012127, OMIM 608807.
Dilated cardiomyopathy 1G (CMD1G). Identifiers: Orphanet 154, MedGen C1858763, MONDO:0011400, OMIM 604145.
TTN-related disorder. Also called: TTN-related condition; TTN-related disease; TTN-related disorders.

Allele frequency attached by ClinVar (database versions not stated): TOPMed 0.00001.
gnomAD v4.1: 7 of 1,539,936 alleles (0.00045%); highest among the groups gnomAD compares: Middle Eastern, 0.12%; no homozygotes.

Submissions (5):

PreventionGenetics, part of Exact Sciences
Classification: Uncertain significance for TTN-related condition. Last evaluated: 2026-06-18. Review status: criteria provided, single submitter. Criteria: ACMG Guidelines, 2015. Collection method: clinical testing. Allele origin: germline.
Comment: The TTN c.46304+3A>T variant is predicted to interfere with splicing. To our knowledge, this variant has not been reported in the literature or in a large population database (gnomAD), indicating this variant is rare. At this time, the clinical significance of this variant is uncertain due to the absence of conclusive functional and genetic evidence.

Women's Health and Genetics/Laboratory Corporation of America, LabCorp
Classification: Uncertain significance. Last evaluated: 2026-06-12. Review status: criteria provided, single submitter. Criteria: LabCorp Variant Classification Summary - May 2015. Collection method: clinical testing. Allele origin: germline.
Comment: Variant summary: TTN NM_133378 c.38600+3A>T also known as NM_001267550 c.46304+3A>T, alters a conserved nucleotide located close to a canonical splice site and therefore could affect mRNA splicing, leading to a significantly altered protein sequence. Several computational tools predict a significant impact on normal splicing: Two predict the variant abolishes the canonical 5' splicing donor site. Two predict the variant weakens the canonical 5' donor site. One predict the variant no significant impact on splicing. However, these predictions have yet to be confirmed by functional studies. The variant was absent in 186582 control chromosomes. The available data on variant occurrences in the general population are insufficient to allow any conclusion about variant significance. To our knowledge, no occurrence of c.38600+3A>T in individuals affected with TTN-related conditions and no experimental evidence demonstrating its impact on protein function have been reported. ClinVar contains an entry for this variant (Variation ID: 838516). Based on the evidence outlined above, the variant was classified as uncertain significance.

Labcorp Genetics (formerly Invitae), Labcorp
Classification: Uncertain significance for Dilated cardiomyopathy 1G; Autosomal recessive limb-girdle muscular dystrophy type 2J. Last evaluated: 2025-08-06. Review status: criteria provided, single submitter. Criteria: Invitae Variant Classification Sherloc (09022015). Collection method: clinical testing. Allele origin: germline.
Comment: This sequence change falls in intron 248 of the TTN gene. It does not directly change the encoded amino acid sequence of the TTN protein. It affects a nucleotide within the consensus splice site. This variant is not present in population databases (gnomAD no frequency). This variant has not been reported in the literature in individuals affected with TTN-related conditions. ClinVar contains an entry for this variant (Variation ID: 838516). Variants that disrupt the consensus splice site are a relatively common cause of aberrant splicing (PMID: 17576681, 9536098). Algorithms developed to predict the effect of sequence changes on RNA splicing suggest that this variant may disrupt the consensus splice site. This variant is located in the I band of TTN (PMID: 25589632). Non-truncating variants in this region may be clinically relevant, but have not been definitively shown to cause cardiomyopathy or neuromuscular disease (PMID: 27493940, 32778822). In summary, the available evidence is currently insufficient to determine the role of this variant in disease. Therefore, it has been classified as a Variant of Uncertain Significance.

Athena Diagnostics
Classification: Uncertain significance. Last evaluated: 2022-06-03. Review status: criteria provided, single submitter. Criteria: Athena Diagnostics Criteria. Collection method: clinical testing. Allele origin: unknown.

Mayo Clinic Laboratories, Mayo Clinic
Classification: Uncertain significance. Last evaluated: 2019-06-17. Review status: criteria provided, single submitter. Criteria: ACMG Guidelines, 2015. Collection method: clinical testing. Allele origin: germline. Observed: 1 variant allele.

Literature cited by the submitters: PubMed 17576681 (cited by Labcorp Genetics (formerly Invitae), Labcorp); PubMed 9536098 (cited by Labcorp Genetics (formerly Invitae), Labcorp); PubMed 25589632 (cited by Labcorp Genetics (formerly Invitae), Labcorp); PubMed 27493940 (cited by Labcorp Genetics (formerly Invitae), Labcorp); PubMed 32778822 (cited by Labcorp Genetics (formerly Invitae), Labcorp).

NM_001267550.2(TTN):c.46304+3A>T

Genes: TTN (titin; minus strand), TTN-AS1 (TTN antisense RNA 1; plus strand). Cytogenetic location: 2q31.2.
Variant type: single nucleotide variant.
Coding change: c.46304+3A>T on transcript NM_001267550.2 (MANE Select); 3 bases into the intron after coding-DNA position 46304, A replaced by T.
Molecular consequence: intron variant. On other transcripts: non-coding transcript variant (1).
Genome position (GRCh38, 1-based): chr2:178,620,214, T>A on the plus strand (A>T on the coding strand, the complement: TTN is on the minus strand). VCF-style: chr2-178620214-T-A. GRCh37 (hg19) VCF-style: chr2-179484941-T-A.
Other names: c.46304+3A>T (NM_001267550.1); c.19109+3A>T (NM_003319.4); c.19685+3A>T (NM_133437.4); c.19484+3A>T (NM_133432.3); c.38600+3A>T (NM_133378.4); c.41381+3A>T (NM_001256850.1).
Identifiers: ClinVar variation 838516 (VCV000838516.17), dbSNP rs866285912, ClinGen allele CA60992997.